The following is an entry in ClinVar:

NM_177438.3(DICER1):c.1510-4del

Gene: DICER1 (dicer 1, ribonuclease III; minus strand). Cytogenetic location: 14q32.13.
Variant type: Deletion.
Coding change: c.1510-4del on transcript NM_177438.3 (MANE Select); 4 bases into the intron before coding-DNA position 1510, one base deleted (T; older notation c.1510-4delT).
Molecular consequence: intron variant.
Genome position (GRCh38, 1-based): chr14:95,116,699, A deleted on the plus strand (T on the coding strand, the reverse complement: DICER1 is on the minus strand); the first of 10 consecutive A bases (chr14:95,116,699-95,116,708); deleting any one gives the same sequence. VCF-style (leftmost placement, unchanged base first): chr14-95116698-GA-G. GRCh37 (hg19) VCF-style: chr14-95583035-GA-G.
Other names: NC_000014.8:g.95583045del; c.1510-4del (NM_001291628.2, NM_030621.4, NM_001271282.3 and 1 more transcripts); c.1510-4delT (NM_177438.2, NM_177438.3); c.1510-13del (NM_177438.3).
Identifiers: ClinVar variation 242044 (VCV000242044.56), dbSNP rs546524688, ClinGen allele CA7331456.
Genomic context (GRCh38, chr14:95,116,698, plus strand): 5'-CTACAATACTTGTTGCAATAAGCAGGTTGGTCTCATGTGCTCGAAATTTCCTAAGTACCT[GA>G]AAAAAAAAATCCACCAAGAAAAGCACTTCTAAGAAAATTTCTAAAATGAACAAAAAAAAT-3'

ClinVar aggregate classification (germline): Benign/Likely benign. Review status: criteria provided, multiple submitters, no conflicts (2 of 4 stars). 11 submissions from 11 submitters: Benign (6); Likely benign (5). Last evaluated 2026-02-03.

Conditions:
DICER1-related tumor predisposition. Also called: DICER1 syndrome; DICER1-related pleuropulmonary blastoma cancer predisposition syndrome. Identifiers: Orphanet 284343, MedGen C3839822, MONDO:0100216.
Global developmental delay - lung cysts - overgrowth - Wilms tumor syndrome. Also called: GLOBAL DEVELOPMENTAL DELAY, LUNG CYSTS, OVERGROWTH, AND WILMS TUMOR; GLOW Syndrome. Identifiers: Orphanet 404476, MedGen C4748924, MONDO:0018445, OMIM 618272.
Pleuropulmonary blastoma (PPB). Identifiers: Orphanet 64742, MedGen C1266144, MONDO:0011014, OMIM 601200, HP:0100528.
Rhabdomyosarcoma, embryonal, 2 (RMSE2). Identifiers: MedGen C1867234, MONDO:0859046, OMIM 180295.
Euthyroid goiter (MNG1). Also called: Goiter, multinodular 1, with or without Sertoli-Leydig cell tumors; GOITER, NONTOXIC, WITH INTRATHYROIDAL CALCIFICATION; MULTINODULAR GOITER, ADOLESCENT; SIMPLE GOITER. Identifiers: Orphanet 276399, MedGen C0302859, MONDO:0007681, OMIM 138800, HP:0009798.
Hereditary cancer-predisposing syndrome. Also called: Tumor predisposition; Hereditary Cancer Syndrome; Neoplastic Syndromes, Hereditary; Hereditary neoplastic syndrome. Identifiers: Orphanet 140162, MedGen C0027672, MeSH D009386, MONDO:0015356.

Submissions (14):

Labcorp Genetics (formerly Invitae), Labcorp
Classification: Benign for DICER1-related tumor predisposition. Last evaluated: 2026-02-03. Review status: criteria provided, single submitter. Criteria: Invitae Variant Classification Sherloc (09022015). Collection method: clinical testing. Allele origin: germline.

Myriad Genetics, Inc.
Classification: Benign for DICER1-related tumor predisposition. Last evaluated: 2026-01-16. Review status: criteria provided, single submitter. Criteria: Myriad Autosomal Dominant, Autosomal Recessive and X-Linked Classification Criteria (2023). Collection method: clinical testing. Allele origin: unknown.
Comment: This variant is considered benign. This variant is intronic and is not expected to impact mRNA splicing. This variant has been observed at a population frequency that is significantly greater than expected given the associated disease prevalence and penetrance.

Quest Diagnostics Nichols Institute San Juan Capistrano
Classification: Benign. Last evaluated: 2025-07-31. Review status: criteria provided, single submitter. Criteria: Quest Diagnostics criteria. Collection method: clinical testing. Allele origin: unknown.

ARUP Laboratories, Molecular Genetics and Genomics, ARUP Laboratories
Classification: Benign. Last evaluated: 2025-06-02. Review status: criteria provided, single submitter. Criteria: ARUP Molecular Germline Variant Investigation Process 2024. Collection method: clinical testing. Allele origin: germline.

Center for Genomic Medicine, Rigshospitalet, Copenhagen University Hospital
Classification: Likely benign. Last evaluated: 2025-03-04. Review status: criteria provided, single submitter. Criteria: ACMG Guidelines, 2015. Collection method: clinical testing. Allele origin: germline.

Blueprint Genetics
Classification: Likely benign. Last evaluated: 2024-11-26. Review status: criteria provided, single submitter. Criteria: ACMG Guidelines, 2015. Collection method: clinical testing. Allele origin: germline.

CeGaT Center for Human Genetics Tuebingen
Classification: Likely benign. Last evaluated: 2024-08-01. Review status: criteria provided, single submitter. Criteria: CeGaT Center For Human Genetics Tuebingen Variant Classification Criteria Version 2. Collection method: clinical testing. Allele origin: germline. Affected: yes. Observed: 5 variant alleles.
Comment: DICER1: BP4, BS1

Fulgent Genetics
Classification: Likely benign for Euthyroid goiter; Rhabdomyosarcoma, embryonal, 2; Pleuropulmonary blastoma; Global developmental delay - lung cysts - overgrowth - Wilms tumor syndrome. Last evaluated: 2022-03-10. Review status: criteria provided, single submitter. Criteria: ACMG Guidelines, 2015. Collection method: clinical testing. Allele origin: unknown.

Sema4
Classification: Benign for Hereditary cancer-predisposing syndrome. Last evaluated: 2020-09-15. Review status: criteria provided, single submitter. Criteria: Sema4 Curation Guidelines. Collection method: curation. Allele origin: germline.

Ambry Genetics
Classification: Benign for Hereditary cancer-predisposing syndrome. Last evaluated: 2017-11-22. Review status: criteria provided, single submitter. Criteria: Ambry Variant Classification Scheme 2023. Collection method: clinical testing. Allele origin: germline.

GeneDx
Classification: Likely benign. Last evaluated: 2017-10-03. Review status: criteria provided, single submitter. Criteria: GeneDx Variant Classification (06012015). Collection method: clinical testing. Allele origin: germline. Affected: yes.
Comment: This variant is considered likely benign or benign based on one or more of the following criteria: it is a conservative change, it occurs at a poorly conserved position in the protein, it is predicted to be benign by multiple in silico algorithms, and/or has population frequency not consistent with disease.

Dr. Peter K. Rogan Lab, Western University
No classification provided (evidence only). Condition: Papillary renal cell carcinoma type 1. Review status: no classification provided. Collection method: in vitro. Allele origin: not applicable. Functional consequence: retained intron. Not counted in ClinVar's aggregate classification.

Dr. Peter K. Rogan Lab, Western University
No classification provided (evidence only). Condition: Gastric cancer. Review status: no classification provided. Collection method: in vitro. Allele origin: not applicable. Functional consequence: retained intron. Not counted in ClinVar's aggregate classification.

Dr. Peter K. Rogan Lab, Western University
No classification provided (evidence only). Condition: Uterine corpus endometrial carcinoma. Review status: no classification provided. Collection method: in vitro. Allele origin: not applicable. Functional consequence: retained intron. Not counted in ClinVar's aggregate classification.